The following is an entry in ClinVar:

ClinVar aggregate classification (germline): Uncertain significance (1 of 4 stars; one submission).

Submission:

Ambry Genetics
Classification: Uncertain significance. Last evaluated: 2026-04-18. Review status: criteria provided, single submitter. Criteria: Ambry Variant Classification Scheme 2023. Collection method: clinical testing. Allele origin: germline.
Comment: The p.C320Y variant (also known as c.959G>A), located in coding exon 8 of the PDLIM3 gene, results from a G to A substitution at nucleotide position 959. The cysteine at codon 320 is replaced by tyrosine, an amino acid with highly dissimilar properties. This amino acid position is conserved. In addition, this alteration is predicted to be deleterious by in silico analysis. Based on the available evidence, the clinical significance of this variant remains unclear.

NM_014476.6(PDLIM3):c.959G>A (p.Cys320Tyr)

Gene: PDLIM3 (PDZ and LIM domain 3; minus strand). Cytogenetic location: 4q35.1.
Variant type: single nucleotide variant.
Coding change: c.959G>A on transcript NM_014476.6 (MANE Select); coding-DNA position 959, G replaced by A.
Protein change: p.Cys320Tyr; replaces cysteine 320 with tyrosine.
Molecular consequence: missense variant. On other transcripts: non-coding transcript variant (1).
Genome position (GRCh38, 1-based): chr4:185,502,430, C>T on the plus strand (G>A on the coding strand, the complement: PDLIM3 is on the minus strand). VCF-style: chr4-185502430-C-T. GRCh37 (hg19) VCF-style: chr4-186423584-C-T.
Other names: c.815G>A, p.Cys272Tyr (NM_001114107.5); c.695G>A, p.Cys232Tyr (NM_001257962.2); c.458G>A, p.Cys153Tyr (NM_001257963.2); short protein forms C153Y, C232Y, C272Y, C320Y.
Identifiers: ClinVar variation 4861762 (VCV004861762.1).